The following is an entry in ClinVar:

ClinVar aggregate classification (germline): Conflicting classifications of pathogenicity. Review status: criteria provided, conflicting classifications (1 of 4 stars). 5 submissions from 5 submitters: Uncertain significance (3); Likely benign (1). 1 of the submissions does not count toward it. Last evaluated 2025-11-11.

Conditions:
MET-related disorder. Also called: MET-related condition.
Autosomal recessive nonsyndromic hearing loss 97. Also called: Deafness, autosomal recessive 97. Identifiers: Orphanet 90636, MedGen C4084709, MONDO:0014739, OMIM 616705.
Hereditary cancer-predisposing syndrome. Also called: Tumor predisposition; Hereditary Cancer Syndrome; Neoplastic Syndromes, Hereditary; Hereditary neoplastic syndrome. Identifiers: Orphanet 140162, MedGen C0027672, MeSH D009386, MONDO:0015356.
Renal cell carcinoma. Identifiers: Orphanet 217071, MedGen C0007134, MeSH D002292, MONDO:0005086, HP:0005584.

Allele frequency attached by ClinVar (database versions not stated): gnomAD exomes below 0.00001 and 0.00001; gnomAD 0.00001; TOPMed 0.00001.
gnomAD v4.1: 12 of 1,613,796 alleles (0.00074%); highest among the groups gnomAD compares: Non-Finnish European, 0.001%; no homozygotes.

Submissions (5):

Labcorp Genetics (formerly Invitae), Labcorp
Classification: Uncertain significance for Renal cell carcinoma. Last evaluated: 2025-11-11. Review status: criteria provided, single submitter. Criteria: Invitae Variant Classification Sherloc (09022015). Collection method: clinical testing. Allele origin: germline.
Comment: This sequence change replaces leucine, which is neutral and non-polar, with phenylalanine, which is neutral and non-polar, at codon 952 of the MET protein (p.Leu952Phe). This variant is present in population databases (no rsID available, gnomAD 0.002%). This variant has not been reported in the literature in individuals affected with MET-related conditions. ClinVar contains an entry for this variant (Variation ID: 821903). Invitae Evidence Modeling of protein sequence and biophysical properties (such as structural, functional, and spatial information, amino acid conservation, physicochemical variation, residue mobility, and thermodynamic stability) indicates that this missense variant is not expected to disrupt MET protein function with a negative predictive value of 80%. In summary, the available evidence is currently insufficient to determine the role of this variant in disease. Therefore, it has been classified as a Variant of Uncertain Significance.

GeneDx
Classification: Uncertain significance. Last evaluated: 2025-05-11. Review status: criteria provided, single submitter. Criteria: GeneDx Variant Classification Process June 2021. Collection method: clinical testing. Allele origin: germline. Affected: yes.
Comment: Not observed at significant frequency in large population cohorts (gnomAD); In silico analysis supports that this missense variant has a deleterious effect on protein structure/function; Has not been previously published as pathogenic or benign to our knowledge

Baylor Genetics
Classification: Uncertain significance for Autosomal recessive nonsyndromic hearing loss 97. Last evaluated: 2023-10-09. Review status: criteria provided, single submitter. Criteria: ACMG Guidelines, 2015. Collection method: clinical testing. Allele origin: unknown.

Ambry Genetics
Classification: Likely benign for Hereditary cancer-predisposing syndrome. Last evaluated: 2023-02-07. Review status: criteria provided, single submitter. Criteria: Ambry Variant Classification Scheme 2023. Collection method: clinical testing. Allele origin: germline.

PreventionGenetics, part of Exact Sciences
Classification: Uncertain significance for MET-related condition. Last evaluated: 2024-01-22. Review status: no assertion criteria provided. Collection method: clinical testing. Allele origin: germline. Not counted in ClinVar's aggregate classification.
Comment: The MET c.2856G>C variant is predicted to result in the amino acid substitution p.Leu952Phe. To our knowledge, this variant has not been reported in the literature. This variant is reported in 0.0016% of alleles in individuals of European (Non-Finnish) descent in gnomAD. At this time, the clinical significance of this variant is uncertain due to the absence of conclusive functional and genetic evidence.

NM_000245.4(MET):c.2802G>C (p.Leu934Phe)

Gene: MET (MET proto-oncogene, receptor tyrosine kinase; plus strand). Cytogenetic location: 7q31.2.
Variant type: single nucleotide variant.
Coding change: c.2802G>C on transcript NM_000245.4 (MANE Select); coding-DNA position 2802, G replaced by C.
Protein change: p.Leu934Phe; replaces leucine 934 with phenylalanine.
Molecular consequence: missense variant.
Genome position (GRCh38, 1-based): chr7:116,771,569, G>C. VCF-style: chr7-116771569-G-C. GRCh37 (hg19) VCF-style: chr7-116411623-G-C.
Other names: c.2856G>C, p.Leu952Phe (NM_001127500.3); c.1512G>C, p.Leu504Phe (NM_001324402.2); c.2856G>C (NM_001127500.2); short protein forms L504F, L934F, L952F.
Identifiers: ClinVar variation 821903 (VCV000821903.22), dbSNP rs1361155132, ClinGen allele CA368986534.